The following is an entry in ClinVar:

NM_012470.4(TNPO3):c.332C>T (p.Ala111Val)

Gene: TNPO3 (transportin 3; minus strand). Cytogenetic location: 7q32.1.
Variant type: single nucleotide variant.
Coding change: c.332C>T on transcript NM_012470.4 (MANE Select); coding-DNA position 332, C replaced by T.
Protein change: p.Ala111Val; replaces alanine 111 with valine.
Molecular consequence: missense variant. On other transcripts: non-coding transcript variant (18).
Genome position (GRCh38, 1-based): chr7:129,017,046, G>A on the plus strand (C>T on the coding strand, the complement: TNPO3 is on the minus strand). VCF-style: chr7-129017046-G-A. GRCh37 (hg19) VCF-style: chr7-128657100-G-A.
Other names: c.332C>T, p.Ala111Val (NM_001191028.3, NM_001382216.1, NM_001382217.1 and 6 more transcripts); short protein forms A111V.
Identifiers: ClinVar variation 289636 (VCV000289636.7), dbSNP rs886044227, ClinGen allele CA10606503.

ClinVar aggregate classification (germline): Uncertain significance. Review status: criteria provided, multiple submitters, no conflicts (2 of 4 stars). 2 submissions from 2 submitters: Uncertain significance (2). Last evaluated 2024-08-27.

Conditions:
Autosomal dominant limb-girdle muscular dystrophy type 1F (LGMDD2). Also called: Limb-girdle muscular dystrophy, type 1F; MUSCULAR DYSTROPHY, LIMB-GIRDLE, AUTOSOMAL DOMINANT 2. Identifiers: Orphanet 55595, MedGen C1842062, MONDO:0012034, OMIM 608423.

Submissions (2):

Labcorp Genetics (formerly Invitae), Labcorp
Classification: Uncertain significance for Autosomal dominant limb-girdle muscular dystrophy type 1F. Last evaluated: 2024-08-27. Review status: criteria provided, single submitter. Criteria: Invitae Variant Classification Sherloc (09022015). Collection method: clinical testing. Allele origin: germline.
Comment: This sequence change replaces alanine, which is neutral and non-polar, with valine, which is neutral and non-polar, at codon 111 of the TNPO3 protein (p.Ala111Val). This variant is not present in population databases (gnomAD no frequency). This variant has not been reported in the literature in individuals affected with TNPO3-related conditions. ClinVar contains an entry for this variant (Variation ID: 289636). Invitae Evidence Modeling of protein sequence and biophysical properties (such as structural, functional, and spatial information, amino acid conservation, physicochemical variation, residue mobility, and thermodynamic stability) indicates that this missense variant is not expected to disrupt TNPO3 protein function with a negative predictive value of 80%. Algorithms developed to predict the effect of sequence changes on RNA splicing suggest that this variant may disrupt the consensus splice site. In summary, the available evidence is currently insufficient to determine the role of this variant in disease. Therefore, it has been classified as a Variant of Uncertain Significance.

Eurofins Ntd Llc (ga)
Classification: Uncertain significance. Last evaluated: 2016-08-01. Review status: criteria provided, single submitter. Criteria: EGL Classification Definitions 2015. Collection method: clinical testing. Allele origin: germline. Observed: 1 variant allele, 1 heterozygote.